The following is an entry in ClinVar:

ClinVar aggregate classification (germline): Likely benign (1 of 4 stars; one submission).

Submission:

GeneDx
Classification: Likely benign. Last evaluated: 2018-05-11. Review status: criteria provided, single submitter. Criteria: GeneDx Variant Classification (06012015). Collection method: clinical testing. Allele origin: germline. Affected: yes.
Comment: This variant is considered likely benign or benign based on one or more of the following criteria: it is a conservative change, it occurs at a poorly conserved position in the protein, it is predicted to be benign by multiple in silico algorithms, and/or has population frequency not consistent with disease.

NM_001267550.2(TTN):c.86704C>T (p.Leu28902Phe)

Genes: TTN (titin; minus strand), TTN-AS1 (TTN antisense RNA 1; plus strand). Cytogenetic location: 2q31.2.
Variant type: single nucleotide variant.
Coding change: c.86704C>T on transcript NM_001267550.2 (MANE Select); coding-DNA position 86704, C replaced by T.
Protein change: p.Leu28902Phe; replaces leucine 28902 with phenylalanine.
Molecular consequence: missense variant.
Genome position (GRCh38, 1-based): chr2:178,559,428, G>A on the plus strand (C>T on the coding strand, the complement: TTN is on the minus strand). VCF-style: chr2-178559428-G-A. GRCh37 (hg19) VCF-style: chr2-179424155-G-A.
Other names: c.81781C>T, p.Leu27261Phe (NM_001256850.1); c.59509C>T, p.Leu19837Phe (NM_003319.4); c.79000C>T, p.Leu26334Phe (NM_133378.4); c.59884C>T, p.Leu19962Phe (NM_133432.3); c.60085C>T, p.Leu20029Phe (NM_133437.4); short protein forms L27261F, L19837F, L20029F, L28902F, L19962F, L26334F.
Identifiers: ClinVar variation 668169 (VCV000668169.1), dbSNP rs1575602726, ClinGen allele CA349542018.